The following is an entry in ClinVar:

ClinVar aggregate classification (germline): Uncertain significance (1 of 4 stars; one submission).

Conditions:
MHC class I deficiency. Identifiers: Orphanet 34592, MedGen C6024714, MONDO:0011476.

Submission:

Labcorp Genetics (formerly Invitae), Labcorp
Classification: Uncertain significance for MHC class I deficiency 1. Last evaluated: 2025-03-27. Review status: criteria provided, single submitter. Criteria: Invitae Variant Classification Sherloc (09022015). Collection method: clinical testing. Allele origin: germline.
Comment: This sequence change replaces glycine, which is neutral and non-polar, with arginine, which is basic and polar, at codon 252 of the TAPBP protein (p.Gly252Arg). This variant is present in population databases (rs756406534, gnomAD 0.006%). This variant has not been reported in the literature in individuals affected with TAPBP-related conditions. An algorithm developed to predict the effect of missense changes on protein structure and function (PolyPhen-2) suggests that this variant is likely to be disruptive. In summary, the available evidence is currently insufficient to determine the role of this variant in disease. Therefore, it has been classified as a Variant of Uncertain Significance.

NM_003190.5(TAPBP):c.754G>A (p.Gly252Arg)

Gene: TAPBP (TAP binding protein; minus strand). Cytogenetic location: 6p21.32.
Variant type: single nucleotide variant.
Coding change: c.754G>A on transcript NM_003190.5 (MANE Select); coding-DNA position 754, G replaced by A.
Protein change: p.Gly252Arg; replaces glycine 252 with arginine.
Molecular consequence: missense variant.
Genome position (GRCh38, 1-based): chr6:33,305,103, C>T on the plus strand (G>A on the coding strand, the complement: TAPBP is on the minus strand). VCF-style: chr6-33305103-C-T. GRCh37 (hg19) VCF-style: chr6-33272880-C-T.
Other names: c.754G>A, p.Gly252Arg (NM_001410875.1, NM_172208.3); c.493G>A, p.Gly165Arg (NM_172209.3); short protein forms G165R, G252R.
Identifiers: ClinVar variation 3711925 (VCV003711925.2).
Genomic context (GRCh38, chr6:33,305,103, plus strand): 5'-TGGCCAGATAGGTGCCCTCCTGAAAGGGTTGAACTGTAGGCAGCCAGAAGGTCCCATTTC[C>T]GGTCCATGGGCCCCATGGCTCATCATCATCCCAAGCAGCAAATGCCACGGCCCCTTCTTG-3'
Protein context (NP_003181.3, residues 242-262): DDDEPWGPWT[Gly252Arg]NGTFWLPTVQ